The following is an entry in ClinVar:

NM_000229.2(LCAT):c.839G>A (p.Arg280His)

Gene: LCAT (lecithin-cholesterol acyltransferase; minus strand). Cytogenetic location: 16q22.1.
Variant type: single nucleotide variant.
Coding change: c.839G>A on transcript NM_000229.2 (MANE Select); coding-DNA position 839, G replaced by A.
Protein change: p.Arg280His; replaces arginine 280 with histidine.
Molecular consequence: missense variant.
Genome position (GRCh38, 1-based): chr16:67,940,388, C>T on the plus strand (G>A on the coding strand, the complement: LCAT is on the minus strand). VCF-style: chr16-67940388-C-T. GRCh37 (hg19) VCF-style: chr16-67974291-C-T.
Other names: short protein forms R280H.
Identifiers: ClinVar variation 1763224 (VCV001763224.2), dbSNP rs532898663, ClinGen allele CA8120948.

ClinVar aggregate classification (germline): Uncertain significance (1 of 4 stars; one submission).

Conditions:
Cardiovascular phenotype. Identifiers: MedGen CN230736.

Allele frequency attached by ClinVar (database versions not stated): gnomAD 0.00001; TOPMed 0.00002; ExAC 0.00004; 1000 Genomes Project 0.00020.
gnomAD v4.1: 15 of 1,613,978 alleles (0.00093%); highest among the groups gnomAD compares: East Asian, 0.0045%; no homozygotes.

Submission:

Ambry Genetics
Classification: Uncertain significance for Cardiovascular phenotype. Last evaluated: 2022-07-17. Review status: criteria provided, single submitter. Criteria: Ambry Variant Classification Scheme 2023. Collection method: clinical testing. Allele origin: germline.
Comment: The p.R280H variant (also known as c.839G>A), located in coding exon 6 of the LCAT gene, results from a G to A substitution at nucleotide position 839. The arginine at codon 280 is replaced by histidine, an amino acid with highly similar properties. This amino acid position is conserved. In addition, this alteration is predicted to be tolerated by in silico analysis. Since supporting evidence is limited at this time, the clinical significance of this alteration remains unclear.